The following is an entry in ClinVar:

NM_000785.4(CYP27B1):c.1247C>G (p.Ser416Ter)

Gene: CYP27B1 (cytochrome P450 family 27 subfamily B member 1; minus strand). Cytogenetic location: 12q14.1.
Variant type: single nucleotide variant.
Coding change: c.1247C>G on transcript NM_000785.4 (MANE Select); coding-DNA position 1247, C replaced by G.
Protein change: p.Ser416Ter; replaces serine 416 with a stop codon.
Molecular consequence: nonsense.
Genome position (GRCh38, 1-based): chr12:57,763,777, G>C on the plus strand (C>G on the coding strand, the complement: CYP27B1 is on the minus strand). VCF-style: chr12-57763777-G-C. GRCh37 (hg19) VCF-style: chr12-58157560-G-C.
Other names: short protein forms S416*.
Identifiers: ClinVar variation 5003999 (VCV005003999.1).

ClinVar aggregate classification (germline): Pathogenic (1 of 4 stars; one submission).

Conditions:
Vitamin D-dependent rickets, type 1A. Also called: PDDR IA; PSEUDOVITAMIN D-DEFICIENCY RICKETS, TYPE IA; VITAMIN D HYDROXYLATION-DEFICIENT RICKETS, TYPE 1A. Identifiers: MedGen CN283242, MONDO:0020723, OMIM 264700.

Submission:

Myriad Genetics, Inc.
Classification: Pathogenic for Vitamin D-dependent rickets, type 1A. Last evaluated: 2026-08-11. Review status: criteria provided, single submitter. Criteria: Myriad Autosomal Dominant, Autosomal Recessive and X-Linked Classification Criteria (2023). Collection method: clinical testing. Allele origin: unknown.
Comment: NM_000785.3(CYP27B1):c.1247C>G(S416*) is a nonsense variant classified as pathogenic in the context of vitamin D-dependent rickets, CYP27B1-related. S416* has been observed in a case with relevant disease (PMID: 18394115). Relevant functional assessments of this variant are not available in the literature. S416* has not been observed in referenced population frequency databases. In summary, NM_000785.3(CYP27B1):c.1247C>G(S416*) is a nonsense variant that has been observed more frequently in cases with the relevant disease than in healthy populations. Please note: this variant was assessed in the context of healthy population screening.

Literature cited by the submitters: PubMed 18394115.